The following is an entry in ClinVar:

NM_002474.3(MYH11):c.3338T>C (p.Ile1113Thr)

Gene: MYH11 (myosin heavy chain 11; minus strand). Cytogenetic location: 16p13.11.
Variant type: single nucleotide variant.
Coding change: c.3338T>C on transcript NM_002474.3 (MANE Select); coding-DNA position 3338, T replaced by C.
Protein change: p.Ile1113Thr; replaces isoleucine 1113 with threonine.
Molecular consequence: missense variant.
Genome position (GRCh38, 1-based): chr16:15,735,534, A>G on the plus strand (T>C on the coding strand, the complement: MYH11 is on the minus strand). VCF-style: chr16-15735534-A-G. GRCh37 (hg19) VCF-style: chr16-15829391-A-G.
Other names: c.3359T>C, p.Ile1120Thr (NM_001040113.2, NM_001040114.2); c.3338T>C, p.Ile1113Thr (NM_022844.3); short protein forms I1113T, I1120T.
Identifiers: ClinVar variation 1393851 (VCV001393851.6), dbSNP rs2151241070, ClinGen allele CA394862086.

ClinVar aggregate classification (germline): Uncertain significance (1 of 4 stars; one submission).

Conditions:
Aortic aneurysm, familial thoracic 4 (AAT4). Also called: AORTIC ANEURYSM/AORTIC DISSECTION AND PATENT DUCTUS ARTERIOSUS. Identifiers: MedGen C1851504, MONDO:0007568, OMIM 132900.

gnomAD v4.1: 1 of 1,614,114 alleles (0.000062%); highest among the groups gnomAD compares: Non-Finnish European, 0.000085%; no homozygotes.

Submission:

Labcorp Genetics (formerly Invitae), Labcorp
Classification: Uncertain significance for Aortic aneurysm, familial thoracic 4. Last evaluated: 2021-11-18. Review status: criteria provided, single submitter. Criteria: Invitae Variant Classification Sherloc (09022015). Collection method: clinical testing. Allele origin: germline.
Comment: This variant is not present in population databases (gnomAD no frequency). In summary, the available evidence is currently insufficient to determine the role of this variant in disease. Therefore, it has been classified as a Variant of Uncertain Significance. Algorithms developed to predict the effect of missense changes on protein structure and function are either unavailable or do not agree on the potential impact of this missense change (SIFT: "Deleterious"; PolyPhen-2: "Benign"; Align-GVGD: "Class C65"). This variant has not been reported in the literature in individuals affected with MYH11-related conditions. This sequence change replaces isoleucine, which is neutral and non-polar, with threonine, which is neutral and polar, at codon 1120 of the MYH11 protein (p.Ile1120Thr).